The following is an entry in ClinVar:

NM_014000.3(VCL):c.1407C>T (p.Ala469=)

Gene: VCL (vinculin; plus strand). Cytogenetic location: 10q22.2.
Variant type: single nucleotide variant.
Coding change: c.1407C>T on transcript NM_014000.3 (MANE Select); coding-DNA position 1407, C replaced by T.
Protein change: p.Ala469=; no amino-acid change (alanine 469 retained).
Molecular consequence: synonymous variant.
Genome position (GRCh38, 1-based): chr10:74,094,325, C>T. VCF-style: chr10-74094325-C-T. GRCh37 (hg19) VCF-style: chr10-75854083-C-T.
Other names: p.A469A:GCC>GCT; p.Ala469=; c.1407C>T, p.Ala469= (NM_003373.4).
Identifiers: ClinVar variation 45579 (VCV000045579.31), dbSNP rs2229507, ClinGen allele CA136694.

ClinVar aggregate classification (germline): Benign. Review status: criteria provided, multiple submitters, no conflicts (2 of 4 stars). 12 submissions from 12 submitters: Benign (9). 3 of the submissions do not count toward it. Last evaluated 2026-02-04.

Conditions:
Cardiovascular phenotype. Identifiers: MedGen CN230736.
Dilated cardiomyopathy 1W (CMD1W). Identifiers: Orphanet 154, MedGen C1969639, MONDO:0012667, OMIM 611407.

Allele frequency attached by ClinVar (database versions not stated): gnomAD exomes 0.00953 and 0.01937; ExAC 0.02304; gnomAD 0.06287 and 0.06739; 1000 Genomes Project 0.06969; TOPMed 0.07132; ESP Exome Variant Server 0.07312; 1000 Genomes Project 30x 0.07433.
gnomAD v4.1: 23,934 of 1,613,982 alleles (1.5%); highest among the groups gnomAD compares: African/African-American, 21%; 1,802 homozygotes.

Submissions (12):

Labcorp Genetics (formerly Invitae), Labcorp
Classification: Benign for Dilated cardiomyopathy 1W. Last evaluated: 2026-02-04. Review status: criteria provided, single submitter. Criteria: Invitae Variant Classification Sherloc (09022015). Collection method: clinical testing. Allele origin: germline.

Molecular Diagnostic Laboratory for Inherited Cardiovascular Disease, Montreal Heart Institute
Classification: Benign. Last evaluated: 2025-07-24. Review status: criteria provided, single submitter. Criteria: ACMG Guidelines, 2015. Collection method: clinical testing. Allele origin: germline. Affected: no.

Illumina Laboratory Services, Illumina
Classification: Benign for Dilated cardiomyopathy 1W. Last evaluated: 2018-01-13. Review status: criteria provided, single submitter. Criteria: ICSL Variant Classification Criteria 13 December 2019. Collection method: clinical testing. Allele origin: germline.
Comment: This variant was observed in the ICSL laboratory as part of a predisposition screen in an ostensibly healthy population. It had not been previously curated by ICSL or reported in the Human Gene Mutation Database (HGMD: prior to June 1st, 2018), and was therefore a candidate for classification through an automated scoring system. Utilizing variant allele frequency, disease prevalence and penetrance estimates, and inheritance mode, an automated score was calculated to assess if this variant is too frequent to cause the disease. Based on the score and internal cut-off values, a variant classified as benign is not then subjected to further curation. The score for this variant resulted in a classification of benign for this disease.

Ambry Genetics
Classification: Benign for Cardiovascular phenotype. Last evaluated: 2015-06-21. Review status: criteria provided, single submitter. Criteria: Ambry Variant Classification Scheme 2023. Collection method: clinical testing. Allele origin: germline.

Mayo Clinic Laboratories, Mayo Clinic
Classification: Benign. Last evaluated: 2014-03-07. Review status: criteria provided, single submitter. Criteria: ACMG Guidelines, 2015. Collection method: clinical testing. Allele origin: germline. Observed: 114 variant alleles.

GeneDx
Classification: Benign. Last evaluated: 2013-04-26. Review status: criteria provided, single submitter. Criteria: GeneDx Variant Classification (06012015). Collection method: clinical testing. Allele origin: germline. Affected: yes.
Comment: This variant is considered likely benign or benign based on one or more of the following criteria: it is a conservative change, it occurs at a poorly conserved position in the protein, it is predicted to be benign by multiple in silico algorithms, and/or has population frequency not consistent with disease.

Laboratory for Molecular Medicine, Mass General Brigham Personalized Medicine
Classification: Benign. Last evaluated: 2008-12-04. Review status: criteria provided, single submitter. Criteria: LMM Criteria. Collection method: clinical testing. Allele origin: germline. Observed: 150 variant alleles.

Breakthrough Genomics
Classification: Benign. Review status: criteria provided, single submitter. Criteria: ACMG Guidelines, 2015. Collection method: not provided. Allele origin: germline. Inheritance: Autosomal dominant inheritance. Affected: yes.

PreventionGenetics, part of Exact Sciences
Classification: Benign. Review status: criteria provided, single submitter. Criteria: ACMG Guidelines, 2015. Collection method: clinical testing. Allele origin: germline.

Clinical Genetics DNA and cytogenetics Diagnostics Lab, Erasmus MC, Erasmus Medical Center
Classification: Benign. Review status: no assertion criteria provided. Collection method: clinical testing. Allele origin: germline. Affected: yes. Study: VKGL Data-share Consensus. Not counted in ClinVar's aggregate classification.

Clinical Genetics, Academic Medical Center
Classification: Benign. Review status: no assertion criteria provided. Collection method: clinical testing. Allele origin: germline. Affected: yes. Study: VKGL Data-share Consensus. Not counted in ClinVar's aggregate classification.

Joint Genome Diagnostic Labs from Nijmegen and Maastricht, Radboudumc and MUMC+
Classification: Benign. Review status: no assertion criteria provided. Collection method: clinical testing. Allele origin: germline. Affected: yes. Study: VKGL Data-share Consensus. Not counted in ClinVar's aggregate classification.